The following is an entry in ClinVar:

NM_001042492.3(NF1):c.2061A>G (p.Leu687=)

Gene: NF1 (neurofibromin 1; plus strand). Cytogenetic location: 17q11.2.
Variant type: single nucleotide variant.
Coding change: c.2061A>G on transcript NM_001042492.3 (MANE Select); coding-DNA position 2061, A replaced by G.
Protein change: p.Leu687=; no amino-acid change (leucine 687 retained).
Molecular consequence: synonymous variant.
Genome position (GRCh38, 1-based): chr17:31,226,494, A>G. VCF-style: chr17-31226494-A-G. GRCh37 (hg19) VCF-style: chr17-29553512-A-G.
Other names: c.2061A>G, p.Leu687= (NM_000267.4).
Identifiers: ClinVar variation 215710 (VCV000215710.22), dbSNP rs143671377, ClinGen allele CA336861.

ClinVar aggregate classification (germline): Benign/Likely benign. Review status: criteria provided, multiple submitters, no conflicts (2 of 4 stars). 8 submissions from 8 submitters: Benign (1); Likely benign (7). Last evaluated 2026-05-15.

Conditions:
Hereditary cancer-predisposing syndrome. Also called: Tumor predisposition; Hereditary neoplastic syndrome; Neoplastic Syndromes, Hereditary; Hereditary Cancer Syndrome. Identifiers: Orphanet 140162, MedGen C0027672, MeSH D009386, MONDO:0015356.
Neurofibromatosis, type 1 (NF1). Also called: Neurofibromatosis, type I; NEUROFIBROMATOSIS, TYPE I, SOMATIC; VON RECKLINGHAUSEN DISEASE; Peripheral type neurofibromatosis. Identifiers: Orphanet 636, MedGen C0027831, MONDO:0018975, OMIM 162200. Disease mechanism: loss of function.

Allele frequency attached by ClinVar (database versions not stated): TOPMed below 0.00001; gnomAD 0.00001; ESP Exome Variant Server 0.00008.
gnomAD v4.1: 12 of 1,613,792 alleles (0.00074%); highest among the groups gnomAD compares: Middle Eastern, 0.066%; no homozygotes.

Submissions (8):

Myriad Genetics, Inc.
Classification: Benign for Neurofibromatosis, type 1. Last evaluated: 2026-05-15. Review status: criteria provided, single submitter. Criteria: Myriad Autosomal Dominant, Autosomal Recessive and X-Linked Classification Criteria (2023). Collection method: clinical testing. Allele origin: unknown.
Comment: This variant is considered benign. This variant is a silent/synonymous amino acid change and it is not expected to impact splicing.

Labcorp Genetics (formerly Invitae), Labcorp
Classification: Likely benign for Neurofibromatosis, type 1. Last evaluated: 2025-12-15. Review status: criteria provided, single submitter. Criteria: Invitae Variant Classification Sherloc (09022015). Collection method: clinical testing. Allele origin: germline.

Genome-Nilou Lab
Classification: Likely benign for Neurofibromatosis, type 1. Last evaluated: 2022-03-15. Review status: criteria provided, single submitter. Criteria: ACMG Guidelines, 2015. Collection method: clinical testing. Allele origin: germline. Affected: no.

Sema4
Classification: Likely benign for Hereditary cancer-predisposing syndrome. Last evaluated: 2021-06-23. Review status: criteria provided, single submitter. Criteria: Sema4 Curation Guidelines. Collection method: curation. Allele origin: germline.

Genome Diagnostics Laboratory, The Hospital for Sick Children
Classification: Likely benign for Neurofibromatosis, type 1. Last evaluated: 2020-10-26. Review status: criteria provided, single submitter. Criteria: ACMG Guidelines, 2015. Collection method: clinical testing. Allele origin: germline. Affected: yes.

GeneDx
Classification: Likely benign. Last evaluated: 2018-06-20. Review status: criteria provided, single submitter. Criteria: GeneDx Variant Classification (06012015). Collection method: clinical testing. Allele origin: germline. Affected: yes.
Comment: This variant is considered likely benign or benign based on one or more of the following criteria: it is a conservative change, it occurs at a poorly conserved position in the protein, it is predicted to be benign by multiple in silico algorithms, and/or has population frequency not consistent with disease.

Laboratory for Molecular Medicine, Mass General Brigham Personalized Medicine
Classification: Likely benign. Last evaluated: 2016-04-14. Review status: criteria provided, single submitter. Criteria: LMM Criteria. Collection method: clinical testing. Allele origin: germline. Observed: 1 variant allele.
Comment: p.Leu687Leu in exon 18 of NF1: This variant is not expected to have clinical sig nificance because it does not alter an amino acid residue and is not located wit hin the splice consensus sequence. It has been identified in 1/66690 European ch romosomes by the Exome Aggregation Consortium (ExAC. org/; dbSNP rs143671377).

Ambry Genetics
Classification: Likely benign for Hereditary cancer-predisposing syndrome. Last evaluated: 2015-02-19. Review status: criteria provided, single submitter. Criteria: Ambry Autosomal Dominant and X-Linked criteria (10/2015). Collection method: clinical testing. Allele origin: germline. Observed: 1 variant allele.